The following is an entry in ClinVar:

ClinVar aggregate classification (germline): Uncertain significance (1 of 4 stars; one submission).

Allele frequency attached by ClinVar (database versions not stated): gnomAD 0.00001; gnomAD exomes 0.00001; TOPMed 0.00001.
gnomAD v4.1: 10 of 1,610,870 alleles (0.00062%); highest among the groups gnomAD compares: Non-Finnish European, 0.00076%; no homozygotes.

Submission:

Labcorp Genetics (formerly Invitae), Labcorp
Classification: Uncertain significance. Last evaluated: 2024-10-25. Review status: criteria provided, single submitter. Criteria: Invitae Variant Classification Sherloc (09022015). Collection method: clinical testing. Allele origin: germline.
Comment: This sequence change replaces serine, which is neutral and polar, with proline, which is neutral and non-polar, at codon 164 of the EFL1 protein (p.Ser164Pro). This variant is present in population databases (no rsID available, gnomAD 0.007%). This variant has not been reported in the literature in individuals affected with EFL1-related conditions. ClinVar contains an entry for this variant (Variation ID: 1393341). Invitae Evidence Modeling of protein sequence and biophysical properties (such as structural, functional, and spatial information, amino acid conservation, physicochemical variation, residue mobility, and thermodynamic stability) indicates that this missense variant is not expected to disrupt EFL1 protein function with a negative predictive value of 80%. In summary, the available evidence is currently insufficient to determine the role of this variant in disease. Therefore, it has been classified as a Variant of Uncertain Significance.

NM_024580.6(EFL1):c.490T>C (p.Ser164Pro)

Gene: EFL1 (elongation factor like GTPase 1; minus strand). Cytogenetic location: 15q25.2.
Variant type: single nucleotide variant.
Coding change: c.490T>C on transcript NM_024580.6 (MANE Select); coding-DNA position 490, T replaced by C.
Protein change: p.Ser164Pro; replaces serine 164 with proline.
Molecular consequence: missense variant. On other transcripts: 5 prime UTR variant (1), non-coding transcript variant (1).
Genome position (GRCh38, 1-based): chr15:82,240,444, A>G on the plus strand (T>C on the coding strand, the complement: EFL1 is on the minus strand). VCF-style: chr15-82240444-A-G. GRCh37 (hg19) VCF-style: chr15-82532785-A-G.
Other names: c.337T>C, p.Ser113Pro (NM_001040610.3); c.-300T>C (NM_001322844.2); c.490T>C, p.Ser164Pro (NM_001322845.2); short protein forms S164P, S113P.
Identifiers: ClinVar variation 1393341 (VCV001393341.8), dbSNP rs1053075603, ClinGen allele CA273436457.
Genomic context (GRCh38, chr15:82,240,444, plus strand): 5'-GGCTAAATTTTTTAAATACTAAAAATTAAAATACCTGTTCTAAAATATTCTTGAGGTGAG[A>G]ATAGGCCTCTTGTGGGGTGAATTTCAGTTCCACTATCAAGCGATCAATCTTATTAATCAC-3'
Protein context (NP_078856.4, residues 154-174): ELKFTPQEAY[Ser164Pro]HLKNILEQIN